The following is an entry in ClinVar:

NM_000352.6(ABCC8):c.4453C>T (p.Gln1485Ter)

Gene: ABCC8 (ATP binding cassette subfamily C member 8; minus strand). Cytogenetic location: 11p15.1.
Variant type: single nucleotide variant.
Coding change: c.4453C>T on transcript NM_000352.6 (MANE Select); coding-DNA position 4453, C replaced by T.
Protein change: p.Gln1485Ter; replaces glutamine 1485 with a stop codon.
Molecular consequence: nonsense. On other transcripts: non-coding transcript variant (1).
Genome position (GRCh38, 1-based): chr11:17,394,358, G>A on the plus strand (C>T on the coding strand, the complement: ABCC8 is on the minus strand). VCF-style: chr11-17394358-G-A. GRCh37 (hg19) VCF-style: chr11-17415905-G-A.
Other names: NM_001287174.3:c.4456C>T; c.4456C>T, p.Gln1486Ter (NM_001287174.3); c.4519C>T, p.Gln1507Ter (NM_001351295.2); c.4453C>T, p.Gln1485Ter (NM_001351296.2); c.4450C>T, p.Gln1484Ter (NM_001351297.2); short protein forms Q1484*, Q1485*, Q1486*, Q1507*.
Identifiers: ClinVar variation 2576211 (VCV002576211.1), dbSNP rs1252605804, ClinGen allele CA379783441.

ClinVar aggregate classification (germline): Pathogenic (1 of 4 stars; one submission).

Conditions:
Hyperinsulinemic hypoglycemia, familial, 1 (HHF1). Also called: HYPERINSULINISM, FAMILIAL, WITH PANCREATIC NESIDIOBLASTOSIS; HYPOGLYCEMIA, HYPERINSULINEMIC, OF INFANCY; Persistent Hyperinsulinemia Hypoglycemia of Infancy; NESIDIOBLASTOSIS OF PANCREAS; Persistent hyperinsulinemic hypoglycemia of infancy. Identifiers: Orphanet 276575, Orphanet 276598, MedGen C2931832, MONDO:0009734, OMIM 256450.

Allele frequency attached by ClinVar (database versions not stated): gnomAD exomes below 0.00001.
gnomAD v4.1: 3 of 1,614,194 alleles (0.00019%); highest among the groups gnomAD compares: Non-Finnish European, 0.00025%; no homozygotes.

Submission:

Broad Center for Mendelian Genomics, Broad Institute of MIT and Harvard
Classification: Pathogenic for Hyperinsulinemic hypoglycemia, familial, 1. Last evaluated: 2023-08-16. Review status: criteria provided, single submitter. Criteria: ACMG Guidelines, 2015. Collection method: curation. Allele origin: germline. Inheritance: Autosomal recessive inheritance.
Comment: The p.Gln1485Ter variant in ABCC8 has been reported in 1 individual, in the homozygous state, with hyperinsulinemic hypoglycemia (PMID: 32027066), and has been identified in 0.003% (1/30616) of South Asian chromosomes by the Genome Aggregation Database (gnomAD; dbSNP ID: rs1252605804). Although this variant has been seen in the general population in a heterozygous state, its frequency is low enough to be consistent with a recessive carrier frequency. This nonsense variant leads to a premature termination codon at position 1485, which is predicted to lead to a truncated or absent protein. Loss of function of the ABCC8 gene is an established disease mechanism in autosomal recessive hyperinsulinemic hypoglycemia. In summary, this variant meets criteria to be classified as pathogenic for autosomal recessive hyperinsulinemic hypoglycemia. ACMG/AMP Criteria applied: PVS1, PM2_supporting, PM3_supporting (Richards 2015).